The following is an entry in ClinVar:

NM_001384474.1(LOXHD1):c.4340G>A (p.Arg1447Gln)

Gene: LOXHD1 (lipoxygenase homology PLAT domains 1; minus strand). Cytogenetic location: 18q21.1.
Variant type: single nucleotide variant.
Coding change: c.4340G>A on transcript NM_001384474.1 (MANE Select); coding-DNA position 4340, G replaced by A.
Protein change: p.Arg1447Gln; replaces arginine 1447 with glutamine.
Molecular consequence: missense variant.
Genome position (GRCh38, 1-based): chr18:46,533,197, C>T on the plus strand (G>A on the coding strand, the complement: LOXHD1 is on the minus strand). VCF-style: chr18-46533197-C-T. GRCh37 (hg19) VCF-style: chr18-44113160-C-T.
Other names: c.1007G>A, p.Arg336Gln (NM_001145472.3); c.719G>A, p.Arg240Gln (NM_001308013.2); c.4340G>A, p.Arg1447Gln (NM_144612.7); short protein forms R240Q, R1447Q, R336Q.
Identifiers: ClinVar variation 2462941 (VCV002462941.3), dbSNP rs772100345, ClinGen allele CA8952360.

ClinVar aggregate classification (germline): Uncertain significance. Review status: criteria provided, multiple submitters, no conflicts (2 of 4 stars). 2 submissions from 2 submitters: Uncertain significance (2). Last evaluated 2024-10-29.

Conditions:
Inborn genetic diseases. Identifiers: MedGen C0950123, MeSH D030342.

Allele frequency attached by ClinVar (database versions not stated): gnomAD 0.00003; TOPMed 0.00003; gnomAD exomes 0.00007; ExAC 0.00009.
gnomAD v4.1: 95 of 1,551,592 alleles (0.0061%); highest among the groups gnomAD compares: East Asian, 0.02%; no homozygotes.

Submissions (2):

Labcorp Genetics (formerly Invitae), Labcorp
Classification: Uncertain significance. Last evaluated: 2024-10-29. Review status: criteria provided, single submitter. Criteria: Invitae Variant Classification Sherloc (09022015). Collection method: clinical testing. Allele origin: germline.
Comment: This sequence change replaces arginine, which is basic and polar, with glutamine, which is neutral and polar, at codon 1447 of the LOXHD1 protein (p.Arg1447Gln). This variant is present in population databases (rs772100345, gnomAD 0.07%). This variant has not been reported in the literature in individuals affected with LOXHD1-related conditions. ClinVar contains an entry for this variant (Variation ID: 2462941). An algorithm developed to predict the effect of missense changes on protein structure and function (PolyPhen-2) suggests that this variant¬†is likely to be tolerated. In summary, the available evidence is currently insufficient to determine the role of this variant in disease. Therefore, it has been classified as a Variant of Uncertain Significance.

Ambry Genetics
Classification: Uncertain significance for Inborn genetic diseases. Last evaluated: 2023-02-22. Review status: criteria provided, single submitter. Criteria: Ambry Variant Classification Scheme 2023. Collection method: clinical testing. Allele origin: germline.